The following is an entry in ClinVar:

ClinVar aggregate classification (germline): Uncertain significance. Review status: criteria provided, multiple submitters, no conflicts (2 of 4 stars). 2 submissions from 2 submitters: Uncertain significance (2). Last evaluated 2025-06-17.

Allele frequency attached by ClinVar (database versions not stated): TOPMed 0.00002.
gnomAD v4.1: 3 of 1,525,484 alleles (0.0002%); highest among the groups gnomAD compares: African/African-American, 0.0028%; no homozygotes.

Submissions (2):

GeneDx
Classification: Uncertain significance. Last evaluated: 2025-06-17. Review status: criteria provided, single submitter. Criteria: GeneDx Variant Classification Process June 2021. Collection method: clinical testing. Allele origin: germline. Affected: yes.
Comment: Not observed at significant frequency in large population cohorts (gnomAD); Missense variant in a gene in which most reported pathogenic variants are truncating/loss of function; Has not been previously published as pathogenic or benign to our knowledge

Eurofins Ntd Llc (ga)
Classification: Uncertain significance. Last evaluated: 2017-01-05. Review status: criteria provided, single submitter. Criteria: EGL Classification Definitions 2015. Collection method: clinical testing. Allele origin: germline. Observed: 1 variant allele, 1 heterozygote.

NM_001267550.2(TTN):c.72766A>T (p.Asn24256Tyr)

Genes: TTN (titin; minus strand), TTN-AS1 (TTN antisense RNA 1; plus strand). Cytogenetic location: 2q31.2.
Variant type: single nucleotide variant.
Coding change: c.72766A>T on transcript NM_001267550.2 (MANE Select); coding-DNA position 72766, A replaced by T.
Protein change: p.Asn24256Tyr; replaces asparagine 24256 with tyrosine.
Molecular consequence: missense variant.
Genome position (GRCh38, 1-based): chr2:178,573,366, T>A on the plus strand (A>T on the coding strand, the complement: TTN is on the minus strand). VCF-style: chr2-178573366-T-A. GRCh37 (hg19) VCF-style: chr2-179438093-T-A.
Other names: c.67843A>T, p.Asn22615Tyr (NM_001256850.1); c.45571A>T, p.Asn15191Tyr (NM_003319.4); c.65062A>T, p.Asn21688Tyr (NM_133378.4); c.45946A>T, p.Asn15316Tyr (NM_133432.3); c.46147A>T, p.Asn15383Tyr (NM_133437.4); c.72766A>T (NM_001267550.1); short protein forms N21688Y, N24256Y, N15316Y, N22615Y, N15191Y, N15383Y.
Identifiers: ClinVar variation 499697 (VCV000499697.6), dbSNP rs187868672, ClinGen allele CA60999855.